The following is an entry in ClinVar:

NM_000787.4(DBH):c.1451T>C (p.Leu484Pro)

Genes: DBH (dopamine beta-hydroxylase; plus strand), DBH-AS1 (DBH antisense RNA 1; minus strand). Cytogenetic location: 9q34.2.
Variant type: single nucleotide variant.
Coding change: c.1451T>C on transcript NM_000787.4 (MANE Select); coding-DNA position 1451, T replaced by C.
Protein change: p.Leu484Pro; replaces leucine 484 with proline.
Molecular consequence: missense variant.
Genome position (GRCh38, 1-based): chr9:133,656,539, T>C. VCF-style: chr9-133656539-T-C. GRCh37 (hg19) VCF-style: chr9-136521661-T-C.
Other names: short protein forms L484P.
Identifiers: ClinVar variation 365662 (VCV000365662.10), dbSNP rs769107895, ClinGen allele CA5313549.

ClinVar aggregate classification (germline): Uncertain significance. Review status: criteria provided, multiple submitters, no conflicts (2 of 4 stars). 3 submissions from 3 submitters: Uncertain significance (3). Last evaluated 2024-09-11.

Conditions:
Orthostatic hypotension 1 (ORTHYP1). Also called: Dopamine beta-hydroxylase deficiency; Orthostatic hypotension 1, due to DBH deficiency; NORADRENALINE DEFICIENCY; NOREPINEPHRINE DEFICIENCY. Identifiers: Orphanet 230, MedGen C4746777, MONDO:0009123, OMIM 223360.
Inborn genetic diseases. Identifiers: MedGen C0950123, MeSH D030342.

Allele frequency attached by ClinVar (database versions not stated): ExAC 0.00004; gnomAD exomes 0.00004 and 0.00008; TOPMed 0.00004; gnomAD 0.00007 and 0.00008.
gnomAD v4.1: 131 of 1,613,832 alleles (0.0081%); highest among the groups gnomAD compares: Non-Finnish European, 0.011%; no homozygotes.

Submissions (3):

Labcorp Genetics (formerly Invitae), Labcorp
Classification: Uncertain significance for Orthostatic hypotension 1. Last evaluated: 2024-09-11. Review status: criteria provided, single submitter. Criteria: Invitae Variant Classification Sherloc (09022015). Collection method: clinical testing. Allele origin: germline.
Comment: This sequence change replaces leucine, which is neutral and non-polar, with proline, which is neutral and non-polar, at codon 484 of the DBH protein (p.Leu484Pro). This variant is present in population databases (rs769107895, gnomAD 0.009%). This variant has not been reported in the literature in individuals affected with DBH-related conditions. ClinVar contains an entry for this variant (Variation ID: 365662). Invitae Evidence Modeling of protein sequence and biophysical properties (such as structural, functional, and spatial information, amino acid conservation, physicochemical variation, residue mobility, and thermodynamic stability) indicates that this missense variant is not expected to disrupt DBH protein function with a negative predictive value of 80%. In summary, the available evidence is currently insufficient to determine the role of this variant in disease. Therefore, it has been classified as a Variant of Uncertain Significance.

Ambry Genetics
Classification: Uncertain significance for Inborn genetic diseases. Last evaluated: 2021-10-06. Review status: criteria provided, single submitter. Criteria: Ambry Variant Classification Scheme 2023. Collection method: clinical testing. Allele origin: germline.

Illumina Laboratory Services, Illumina
Classification: Uncertain significance for Orthostatic hypotension 1. Last evaluated: 2018-01-13. Review status: criteria provided, single submitter. Criteria: ICSL Variant Classification Criteria 13 December 2019. Collection method: clinical testing. Allele origin: germline.